The following is an entry in ClinVar:

NM_001164277.2(SLC37A4):c.1080C>A (p.Asn360Lys)

Gene: SLC37A4 (solute carrier family 37 member 4; minus strand). Cytogenetic location: 11q23.3.
Variant type: single nucleotide variant.
Coding change: c.1080C>A on transcript NM_001164277.2 (MANE Select); coding-DNA position 1080, C replaced by A.
Protein change: p.Asn360Lys; replaces asparagine 360 with lysine.
Molecular consequence: missense variant.
Genome position (GRCh38, 1-based): chr11:119,025,234, G>T on the plus strand (C>A on the coding strand, the complement: SLC37A4 is on the minus strand). VCF-style: chr11-119025234-G-T. GRCh37 (hg19) VCF-style: chr11-118895944-G-T.
Other names: c.1146C>A, p.Asn382Lys (NM_001164278.2); c.861C>A, p.Asn287Lys (NM_001164279.2); c.1080C>A, p.Asn360Lys (NM_001164280.2, NM_001467.6); short protein forms N287K, N360K, N382K.
Identifiers: ClinVar variation 4781353 (VCV004781353.1).

ClinVar aggregate classification (germline): Uncertain significance (1 of 4 stars; one submission).

Conditions:
Glucose-6-phosphate transport defect (GSD1B). Also called: Glycogen Storage Disease Type Ib; GSD Ib. Identifiers: Orphanet 364, Orphanet 79259, MedGen C0268146, MONDO:0009288, OMIM 232220.

Submission:

Labcorp Genetics (formerly Invitae), Labcorp
Classification: Uncertain significance for Glucose-6-phosphate transport defect. Last evaluated: 2025-05-06. Review status: criteria provided, single submitter. Criteria: Invitae Variant Classification Sherloc (09022015). Collection method: clinical testing. Allele origin: germline.
Comment: This sequence change replaces asparagine, which is neutral and polar, with lysine, which is basic and polar, at codon 360 of the SLC37A4 protein (p.Asn360Lys). This variant is not present in population databases (gnomAD no frequency). This variant has not been reported in the literature in individuals affected with SLC37A4-related conditions. Invitae Evidence Modeling of protein sequence and biophysical properties (such as structural, functional, and spatial information, amino acid conservation, physicochemical variation, residue mobility, and thermodynamic stability) indicates that this missense variant is not expected to disrupt SLC37A4 protein function with a negative predictive value of 80%. In summary, the available evidence is currently insufficient to determine the role of this variant in disease. Therefore, it has been classified as a Variant of Uncertain Significance.